The following is an entry in ClinVar:

NM_001148.6(ANK2):c.6895G>A (p.Asp2299Asn)

Genes: ANK2 (ankyrin 2; plus strand), LOC126807137 (CDK7 strongly-dependent group 2 enhancer GRCh37_chr4:114276560-114277759; plus strand). Cytogenetic location: 4q26.
Variant type: single nucleotide variant.
Coding change: c.6895G>A on transcript NM_001148.6 (MANE Select); coding-DNA position 6895, G replaced by A.
Protein change: p.Asp2299Asn; replaces aspartic acid 2299 with asparagine.
Molecular consequence: missense variant. On other transcripts: intron variant (68).
Genome position (GRCh38, 1-based): chr4:113,355,513, G>A. VCF-style: chr4-113355513-G-A. GRCh37 (hg19) VCF-style: chr4-114276669-G-A.
Other names: c.6661G>A, p.Asp2221Asn (NM_001386142.1); c.3295G>A, p.Asp1099Asn (NM_001386166.1); c.7036G>A, p.Asp2346Asn (NM_001386174.1); c.7012G>A, p.Asp2338Asn (NM_001386175.1); c.4411+5264G>A (NM_001386186.2, NM_001386148.2); c.4213+5264G>A (NM_001354269.3); c.4291+5264G>A (NM_001386187.2); c.4252+5264G>A (NM_001386147.1); and 35 more; short protein forms D2338N, D1099N, D2299N, D2346N, D2221N.
Identifiers: ClinVar variation 1405456 (VCV001405456.6), dbSNP rs537233629, ClinGen allele CA357928569.
Genomic context (GRCh38, chr4:113,355,513, plus strand): 5'-CATCCCACGACCAAAGACATTACTGGTGGCTCTGAAGAGCGAGGTGCCACAGTCACTGAG[G>A]ACTCAGAGACCTCTACTGAGAGTTTTCAGAAAGAGGCCACTCTAGGCTCTCCCAAAGACA-3'
Protein context (NP_001139.3, residues 2289-2309): SEERGATVTE[Asp2299Asn]SETSTESFQK

ClinVar aggregate classification (germline): Uncertain significance (1 of 4 stars; one submission).

Conditions:
Long QT syndrome (LQTS). Identifiers: MedGen C0023976, MeSH D008133, MONDO:0002442. Disease mechanism: loss of function. Inheritance: Various modes of inheritance.

gnomAD v4.1: 3 of 1,614,014 alleles (0.00019%); highest among the groups gnomAD compares: South Asian, 0.0011%; no homozygotes.

Submission:

Labcorp Genetics (formerly Invitae), Labcorp
Classification: Uncertain significance for Long QT syndrome. Last evaluated: 2022-07-19. Review status: criteria provided, single submitter. Criteria: Invitae Variant Classification Sherloc (09022015). Collection method: clinical testing. Allele origin: germline.
Comment: This sequence change replaces aspartic acid, which is acidic and polar, with asparagine, which is neutral and polar, at codon 2299 of the ANK2 protein (p.Asp2299Asn). This variant is not present in population databases (gnomAD no frequency). In summary, the available evidence is currently insufficient to determine the role of this variant in disease. Therefore, it has been classified as a Variant of Uncertain Significance. Algorithms developed to predict the effect of missense changes on protein structure and function (SIFT, PolyPhen-2, Align-GVGD) all suggest that this variant is likely to be tolerated. ClinVar contains an entry for this variant (Variation ID: 1405456). This variant has not been reported in the literature in individuals affected with ANK2-related conditions.